The following is an entry in ClinVar:

NM_001184.4(ATR):c.2521T>C (p.Phe841Leu)

Gene: ATR (ATR checkpoint kinase; minus strand). Cytogenetic location: 3q23.
Variant type: single nucleotide variant.
Coding change: c.2521T>C on transcript NM_001184.4 (MANE Select); coding-DNA position 2521, T replaced by C.
Protein change: p.Phe841Leu; replaces phenylalanine 841 with leucine.
Molecular consequence: missense variant.
Genome position (GRCh38, 1-based): chr3:142,553,836, A>G on the plus strand (T>C on the coding strand, the complement: ATR is on the minus strand). VCF-style: chr3-142553836-A-G. GRCh37 (hg19) VCF-style: chr3-142272678-A-G.
Other names: c.2329T>C, p.Phe777Leu (NM_001354579.2); short protein forms F841L, F777L.
Identifiers: ClinVar variation 1792555 (VCV001792555.2), dbSNP rs755497858, ClinGen allele CA2650349.

ClinVar aggregate classification (germline): Uncertain significance (1 of 4 stars; one submission).

Conditions:
Inborn genetic diseases. Identifiers: MedGen C0950123, MeSH D030342.

Allele frequency attached by ClinVar (database versions not stated): gnomAD exomes below 0.00001; ExAC 0.00001; gnomAD 0.00001.
gnomAD v4.1: 2 of 1,613,492 alleles (0.00012%); highest among the groups gnomAD compares: South Asian, 0.0022%; no homozygotes.

Submission:

Ambry Genetics
Classification: Uncertain significance for Inborn genetic diseases. Last evaluated: 2022-08-24. Review status: criteria provided, single submitter. Criteria: Ambry Variant Classification Scheme 2023. Collection method: clinical testing. Allele origin: germline.
Comment: The p.F841L variant (also known as c.2521T>C), located in coding exon 11 of the ATR gene, results from a T to C substitution at nucleotide position 2521. The phenylalanine at codon 841 is replaced by leucine, an amino acid with highly similar properties. This amino acid position is conserved. In addition, this alteration is predicted to be tolerated by in silico analysis. Since supporting evidence is limited at this time, the clinical significance of this alteration remains unclear.